The following is an entry in ClinVar:

ClinVar aggregate classification (germline): Uncertain significance. Review status: criteria provided, multiple submitters, no conflicts (2 of 4 stars). 2 submissions from 2 submitters: Uncertain significance (2). Last evaluated 2025-05-26.

Conditions:
Spinocerebellar ataxia type 35. Identifiers: Orphanet 276193, MedGen C3888031, MONDO:0013485, OMIM 613908.

Allele frequency attached by ClinVar (database versions not stated): ExAC 0.00008; ESP Exome Variant Server 0.00008; gnomAD 0.00008; TOPMed 0.00010.
gnomAD v4.1: 277 of 1,614,166 alleles (0.017%); highest among the groups gnomAD compares: Non-Finnish European, 0.022%; no homozygotes.

Submissions (2):

Labcorp Genetics (formerly Invitae), Labcorp
Classification: Uncertain significance. Last evaluated: 2025-05-26. Review status: criteria provided, single submitter. Criteria: Invitae Variant Classification Sherloc (09022015). Collection method: clinical testing. Allele origin: germline.
Comment: This sequence change replaces glycine, which is neutral and non-polar, with arginine, which is basic and polar, at codon 180 of the TGM6 protein (p.Gly180Arg). This variant is present in population databases (rs371872705, gnomAD 0.01%). This variant has not been reported in the literature in individuals affected with TGM6-related conditions. ClinVar contains an entry for this variant (Variation ID: 2195303). Invitae Evidence Modeling of protein sequence and biophysical properties (such as structural, functional, and spatial information, amino acid conservation, physicochemical variation, residue mobility, and thermodynamic stability) indicates that this missense variant is expected to disrupt TGM6 protein function with a positive predictive value of 80%. Algorithms developed to predict the effect of sequence changes on RNA splicing suggest that this variant may disrupt the consensus splice site. In summary, the available evidence is currently insufficient to determine the role of this variant in disease. Therefore, it has been classified as a Variant of Uncertain Significance.

Revvity Omics, Revvity
Classification: Uncertain significance for Spinocerebellar ataxia type 35. Last evaluated: 2023-08-21. Review status: criteria provided, single submitter. Criteria: ACMG Guidelines, 2015. Collection method: clinical testing. Allele origin: germline.

NM_198994.3(TGM6):c.538G>A (p.Gly180Arg)

Gene: TGM6 (transglutaminase 6; plus strand). Cytogenetic location: 20p13.
Variant type: single nucleotide variant.
Coding change: c.538G>A on transcript NM_198994.3 (MANE Select); coding-DNA position 538, G replaced by A.
Protein change: p.Gly180Arg; replaces glycine 180 with arginine.
Molecular consequence: missense variant.
Genome position (GRCh38, 1-based): chr20:2,396,619, G>A. VCF-style: chr20-2396619-G-A. GRCh37 (hg19) VCF-style: chr20-2377265-G-A.
Other names: c.538G>A, p.Gly180Arg (NM_001254734.2); short protein forms G180R.
Identifiers: ClinVar variation 2195303 (VCV002195303.7), dbSNP rs371872705, ClinGen allele CA9731685.